The following is an entry in ClinVar:

ClinVar aggregate classification (germline): Benign/Likely benign. Review status: criteria provided, multiple submitters, no conflicts (2 of 4 stars). 3 submissions from 3 submitters: Benign (1); Likely benign (2). Last evaluated 2025-12-16.

Allele frequency attached by ClinVar (database versions not stated): ESP Exome Variant Server 0.00008; TOPMed 0.00014; 1000 Genomes Project 30x 0.00031; gnomAD 0.00037; 1000 Genomes Project 0.00040; ExAC 0.00040; gnomAD exomes 0.00041.
gnomAD v4.1: 404 of 1,606,664 alleles (0.025%); highest among the groups gnomAD compares: Non-Finnish European, 0.017%; 2 homozygotes.

Submissions (3):

Labcorp Genetics (formerly Invitae), Labcorp
Classification: Benign. Last evaluated: 2025-12-16. Review status: criteria provided, single submitter. Criteria: Invitae Variant Classification Sherloc (09022015). Collection method: clinical testing. Allele origin: germline.

Mayo Clinic Laboratories, Mayo Clinic
Classification: Likely benign. Last evaluated: 2025-05-06. Review status: criteria provided, single submitter. Criteria: ACMG Guidelines, 2015. Collection method: clinical testing. Allele origin: germline. Observed: 1 variant allele.
Comment: BP4, BP7, PM2_supporting

GeneDx
Classification: Likely benign. Last evaluated: 2016-07-12. Review status: criteria provided, single submitter. Criteria: GeneDx Variant Classification (06012015). Collection method: clinical testing. Allele origin: germline. Affected: yes.
Comment: This variant is considered likely benign or benign based on one or more of the following criteria: it is a conservative change, it occurs at a poorly conserved position in the protein, it is predicted to be benign by multiple in silico algorithms, and/or has population frequency not consistent with disease.

NM_000443.4(ABCB4):c.1357-17A>G

Gene: ABCB4 (ATP binding cassette subfamily B member 4; minus strand). Cytogenetic location: 7q21.12.
Variant type: single nucleotide variant.
Coding change: c.1357-17A>G on transcript NM_000443.4 (MANE Select); 17 bases into the intron before coding-DNA position 1357, A replaced by G.
Molecular consequence: intron variant.
Genome position (GRCh38, 1-based): chr7:87,440,419, T>C on the plus strand (A>G on the coding strand, the complement: ABCB4 is on the minus strand). VCF-style: chr7-87440419-T-C. GRCh37 (hg19) VCF-style: chr7-87069735-T-C.
Other names: p.?; c.1357-17A>G (NM_018850.3, NM_018849.3).
Identifiers: ClinVar variation 386935 (VCV000386935.7), dbSNP rs201173706, ClinGen allele CA4327298.
Genomic context (GRCh38, chr7:87,440,419, plus strand): 5'-TAGTTTACATTAAAGTTCCTAATATCCTGCCCATCAATGTTAATCTGAAAGAAAGAAATA[T>C]TTCCTATTAAGTATTTAACCATTTAATAGCTGAAGTATCAGGACCATTCATGAAAAACAT-3'